The following is an entry in ClinVar:

ClinVar aggregate classification (germline): Conflicting classifications of pathogenicity. Review status: criteria provided, conflicting classifications (1 of 4 stars). 4 submissions from 4 submitters: Uncertain significance (1); Benign (1); Likely benign (2). Last evaluated 2025-11-22.

Conditions:
Cardiovascular phenotype. Identifiers: MedGen CN230736.
Brugada syndrome 7 (BRGDA7). Identifiers: Orphanet 130, MedGen C2751088, MONDO:0013146, OMIM 613120.

Allele frequency attached by ClinVar (database versions not stated): TOPMed 0.00002; gnomAD exomes 0.00014 and 0.00037; 1000 Genomes Project 30x 0.00016; 1000 Genomes Project 0.00020; ExAC 0.00027; gnomAD 0.00054 and 0.00058.
gnomAD v4.1: 283 of 1,613,600 alleles (0.018%); highest among the groups gnomAD compares: Non-Finnish European, 0.0015%; 1 homozygote.

Submissions (4):

Labcorp Genetics (formerly Invitae), Labcorp
Classification: Benign for Brugada syndrome 7. Last evaluated: 2025-11-22. Review status: criteria provided, single submitter. Criteria: Invitae Variant Classification Sherloc (09022015). Collection method: clinical testing. Allele origin: germline.

GeneDx
Classification: Uncertain significance. Last evaluated: 2025-08-01. Review status: criteria provided, single submitter. Criteria: GeneDx Variant Classification Process June 2021. Collection method: clinical testing. Allele origin: germline. Affected: yes.
Comment: Has not been previously published as pathogenic or benign to our knowledge; In silico analysis suggests that this missense variant does not alter protein structure/function; Variants in candidate genes are classified as variants of uncertain significance in accordance with ACMG guidelines (PMID: 25741868); In silico analysis is inconclusive as to whether the variant alters gene splicing. In the absence of RNA/functional studies, the actual effect of this sequence change is unknown.

Blueprint Genetics
Classification: Likely benign. Last evaluated: 2024-09-30. Review status: criteria provided, single submitter. Criteria: ACMG Guidelines, 2015. Collection method: clinical testing. Allele origin: germline.

Ambry Genetics
Classification: Likely benign for Cardiovascular phenotype. Last evaluated: 2023-03-03. Review status: criteria provided, single submitter. Criteria: Ambry Variant Classification Scheme 2023. Collection method: clinical testing. Allele origin: germline.

NM_001040151.2(SCN3B):c.629C>T (p.Ala210Val)

Gene: SCN3B (sodium voltage-gated channel beta subunit 3; minus strand). Cytogenetic location: 11q24.1.
Variant type: single nucleotide variant.
Coding change: c.629C>T on transcript NM_001040151.2 (MANE Select); coding-DNA position 629, C replaced by T.
Protein change: p.Ala210Val; replaces alanine 210 with valine.
Molecular consequence: missense variant.
Genome position (GRCh38, 1-based): chr11:123,634,162, G>A on the plus strand (C>T on the coding strand, the complement: SCN3B is on the minus strand). VCF-style: chr11-123634162-G-A. GRCh37 (hg19) VCF-style: chr11-123504870-G-A.
Other names: p.A210V:GCG>GTG; c.629C>T, p.Ala210Val (NM_018400.4); short protein forms A210V.
Identifiers: ClinVar variation 190884 (VCV000190884.14), dbSNP rs186341159, ClinGen allele CA302201.